The following is an entry in ClinVar:

NM_001164508.2(NEB):c.10452+3A>G

Gene: NEB (nebulin; minus strand). Cytogenetic location: 2q23.3.
Variant type: single nucleotide variant.
Coding change: c.10452+3A>G on transcript NM_001164508.2 (MANE Select); 3 bases into the intron after coding-DNA position 10452, A replaced by G.
Molecular consequence: intron variant.
Genome position (GRCh38, 1-based): chr2:151,625,531, T>C on the plus strand (A>G on the coding strand, the complement: NEB is on the minus strand). VCF-style: chr2-151625531-T-C. GRCh37 (hg19) VCF-style: chr2-152482045-T-C.
Other names: c.9723+3A>G (NM_004543.5); c.10452+3A>G (NM_001164507.2, NM_001271208.2).
Identifiers: ClinVar variation 1414896 (VCV001414896.7), dbSNP rs2154051876, ClinGen allele CA2573133407.
Genomic context (GRCh38, chr2:151,625,531, plus strand): 5'-CACATTCCTACATCGGCAACAATCAATGTGGCCAGACCAAAGAAATAAAACAAATGATCT[T>C]ACCTCACTATAATTTATTTTATTTTGTCTTGCCAACATGATTTCAGGTGTATCAGGCATA-3'

ClinVar aggregate classification (germline): Uncertain significance. Review status: criteria provided, multiple submitters, no conflicts (2 of 4 stars). 2 submissions from 2 submitters: Uncertain significance (2). Last evaluated 2025-09-05.

Conditions:
Nemaline myopathy 2 (NEM2). Also called: Nemaline myopathy 2, autosomal recessive. Identifiers: MedGen C1850569, MONDO:0009725, OMIM 256030.

gnomAD v4.1: 3 of 1,572,654 alleles (0.00019%); highest among the groups gnomAD compares: Non-Finnish European, 0.00026%; no homozygotes.

Submissions (2):

Labcorp Genetics (formerly Invitae), Labcorp
Classification: Uncertain significance for Nemaline myopathy 2. Last evaluated: 2025-09-05. Review status: criteria provided, single submitter. Criteria: Invitae Variant Classification Sherloc (09022015). Collection method: clinical testing. Allele origin: germline.
Comment: This sequence change falls in intron 71 of the NEB gene. It does not directly change the encoded amino acid sequence of the NEB protein. It affects a nucleotide within the consensus splice site. This variant is not present in population databases (gnomAD no frequency). This variant has not been reported in the literature in individuals affected with NEB-related conditions. ClinVar contains an entry for this variant (Variation ID: 1414896). Variants that disrupt the consensus splice site are a relatively common cause of aberrant splicing (PMID: 17576681, 9536098). Algorithms developed to predict the effect of sequence changes on RNA splicing suggest that this variant is not likely to affect RNA splicing. In summary, the available evidence is currently insufficient to determine the role of this variant in disease. Therefore, it has been classified as a Variant of Uncertain Significance.

Women's Health and Genetics/Laboratory Corporation of America, LabCorp
Classification: Uncertain significance. Last evaluated: 2025-01-27. Review status: criteria provided, single submitter. Criteria: LabCorp Variant Classification Summary - May 2015. Collection method: clinical testing. Allele origin: germline.

Literature cited by the submitters: PubMed 17576681 (cited by Labcorp Genetics (formerly Invitae), Labcorp); PubMed 9536098 (cited by Labcorp Genetics (formerly Invitae), Labcorp).